The following is an entry in ClinVar:

ClinVar aggregate classification (germline): Uncertain significance (1 of 4 stars; one submission).

Conditions:
Von Hippel-Lindau syndrome (VHLS). Also called: von Hippel–Lindau syndrome; VHL syndrome; Von Hippel-Lindau. Identifiers: Orphanet 892, MedGen C0019562, MONDO:0008667, OMIM 193300. Disease mechanism: loss of function.
Chuvash polycythemia. Also called: POLYCYTHEMIA, VHL-DEPENDENT. Identifiers: Orphanet 238557, MedGen C1837915, MONDO:0009892, OMIM 263400.

Submission:

Labcorp Genetics (formerly Invitae), Labcorp
Classification: Uncertain significance for Von Hippel-Lindau syndrome; Chuvash polycythemia. Last evaluated: 2021-12-30. Review status: criteria provided, single submitter. Criteria: Invitae Variant Classification Sherloc (09022015). Collection method: clinical testing. Allele origin: germline.
Comment: In summary, the available evidence is currently insufficient to determine the role of this variant in disease. Therefore, it has been classified as a Variant of Uncertain Significance. This variant has not been reported in the literature in individuals affected with VHL-related conditions. This variant is not present in population databases (gnomAD no frequency). This sequence change falls in intron 1 of the VHL gene. It is not expected to change the encoded amino acid sequence of the VHL protein. However, this sequence change falls within a cryptic exon in the VHL gene, known as exon E1’, which is naturally expressed at low levels in several human tissues (PMID: 29891534).

Literature cited by the submitters: PubMed 29891534.

NM_000551.4(VHL):c.340+666dup

Genes: VHL (von Hippel-Lindau tumor suppressor; plus strand), LOC107303340 (3p25 von Hippel-Lindau tumor suppressor, E3 ubiquitin protein ligase Alu-mediated recombination region; plus strand). Cytogenetic location: 3p25.3.
Variant type: Duplication.
Coding change: c.340+666dup on transcript NM_000551.4 (MANE Select); 666 bases into the intron after coding-DNA position 340, one base duplicated (G; older notation c.340+666dupG).
Molecular consequence: intron variant. On other transcripts: frameshift variant (1).
Genome position (GRCh38, 1-based): chr3:10,142,853, G duplicated; the last of 2 consecutive G bases (chr3:10,142,852-10,142,853); duplicating either gives the same sequence. VCF-style (leftmost placement, unchanged base first): chr3-10142851-A-AG. GRCh37 (hg19) VCF-style: chr3-10184535-A-AG.
Other names: c.431dup, p.Thr145fs (NM_001354723.2); c.340+666dup (NM_198156.3); short protein forms T145fs.
Identifiers: ClinVar variation 2067034 (VCV002067034.4), dbSNP rs2125125944, ClinGen allele CA2580068428.